The following is an entry in ClinVar:

ClinVar aggregate classification (germline): Likely benign. Review status: criteria provided, multiple submitters, no conflicts (2 of 4 stars). 7 submissions from 7 submitters: Likely benign (6). 1 of the submissions does not count toward it. Last evaluated 2026-01-10.

Conditions:
Propionic acidemia (PROP). Also called: GLYCINEMIA, KETOTIC; HYPERGLYCINEMIA WITH KETOACIDOSIS AND LEUKOPENIA; KETOTIC HYPERGLYCINEMIA. Identifiers: Orphanet 35, MedGen C0268579, MONDO:0011628, OMIM 606054, HP:0003571.

Allele frequency attached by ClinVar (database versions not stated): gnomAD exomes 0.00007 and 0.00018; ExAC 0.00018; 1000 Genomes Project 0.00020; 1000 Genomes Project 30x 0.00031; TOPMed 0.00040; gnomAD 0.00041 and 0.00044; ESP Exome Variant Server 0.00054.
gnomAD v4.1: 168 of 1,611,874 alleles (0.01%); highest among the groups gnomAD compares: African/African-American, 0.11%; no homozygotes.

Submissions (7):

Labcorp Genetics (formerly Invitae), Labcorp
Classification: Likely benign for Propionic acidemia. Last evaluated: 2026-01-10. Review status: criteria provided, single submitter. Criteria: Invitae Variant Classification Sherloc (09022015). Collection method: clinical testing. Allele origin: germline.

Mayo Clinic Laboratories, Mayo Clinic
Classification: Likely benign. Last evaluated: 2025-04-15. Review status: criteria provided, single submitter. Criteria: ACMG Guidelines, 2015. Collection method: clinical testing. Allele origin: germline. Observed: 1 variant allele.
Comment: BS1, BP4, BP7

CeGaT Center for Human Genetics Tuebingen
Classification: Likely benign. Last evaluated: 2022-12-01. Review status: criteria provided, single submitter. Criteria: CeGaT Center For Human Genetics Tuebingen Variant Classification Criteria Version 2. Collection method: clinical testing. Allele origin: germline. Affected: yes. Observed: 1 variant allele.
Comment: PCCA: BP4, BP7

Blueprint Genetics
Classification: Likely benign. Last evaluated: 2021-08-04. Review status: criteria provided, single submitter. Criteria: ACMG Guidelines, 2015. Collection method: clinical testing. Allele origin: germline.

Fulgent Genetics
Classification: Likely benign for Propionic acidemia. Last evaluated: 2021-07-15. Review status: criteria provided, single submitter. Criteria: ACMG Guidelines, 2015. Collection method: clinical testing. Allele origin: unknown.

Breakthrough Genomics
Classification: Likely benign. Review status: criteria provided, single submitter. Criteria: ACMG Guidelines, 2015. Collection method: not provided. Allele origin: germline. Inheritance: Autosomal recessive inheritance. Affected: yes.

Natera, Inc.
Classification: Uncertain significance for Propionic acidemia. Last evaluated: 2020-03-11. Review status: no assertion criteria provided. Collection method: clinical testing. Allele origin: germline. Not counted in ClinVar's aggregate classification.

NM_000282.4(PCCA):c.1002C>T (p.Thr334=)

Gene: PCCA (propionyl-CoA carboxylase subunit alpha; plus strand). Cytogenetic location: 13q32.3.
Variant type: single nucleotide variant.
Coding change: c.1002C>T on transcript NM_000282.4 (MANE Select); coding-DNA position 1002, C replaced by T.
Protein change: p.Thr334=; no amino-acid change (threonine 334 retained).
Molecular consequence: synonymous variant. On other transcripts: non-coding transcript variant (5).
Genome position (GRCh38, 1-based): chr13:100,273,283, C>T. VCF-style: chr13-100273283-C-T. GRCh37 (hg19) VCF-style: chr13-100925537-C-T.
Other names: p.Thr334=; c.924C>T, p.Thr308= (NM_001127692.3, NM_001352607.2, NM_001352608.2); c.1002C>T, p.Thr334= (NM_001178004.2, NM_001352605.2, NM_001352606.2 and 1 more transcripts); c.57C>T, p.Thr19= (NM_001352610.2, NM_001352611.2, NM_001352612.2).
Identifiers: ClinVar variation 740264 (VCV000740264.44), dbSNP rs150106872, ClinGen allele CA7033471.